The following is an entry in ClinVar:

NM_015909.4(NBAS):c.703T>C (p.Tyr235His)

Gene: NBAS (NBAS subunit of NRZ tethering complex; minus strand). Cytogenetic location: 2p24.3.
Variant type: single nucleotide variant.
Coding change: c.703T>C on transcript NM_015909.4 (MANE Select); coding-DNA position 703, T replaced by C.
Protein change: p.Tyr235His; replaces tyrosine 235 with histidine.
Molecular consequence: missense variant. On other transcripts: non-coding transcript variant (1).
Genome position (GRCh38, 1-based): chr2:15,534,586, A>G on the plus strand (T>C on the coding strand, the complement: NBAS is on the minus strand). VCF-style: chr2-15534586-A-G. GRCh37 (hg19) VCF-style: chr2-15674710-A-G.
Other names: short protein forms Y235H.
Identifiers: ClinVar variation 1965779 (VCV001965779.5), dbSNP rs751927472, ClinGen allele CA1536941.

ClinVar aggregate classification (germline): Uncertain significance (1 of 4 stars; one submission).

Allele frequency attached by ClinVar (database versions not stated): ExAC 0.00001; gnomAD exomes 0.00004.
gnomAD v4.1: 24 of 1,613,818 alleles (0.0015%); highest among the groups gnomAD compares: East Asian, 0.054%; no homozygotes.

Submission:

Labcorp Genetics (formerly Invitae), Labcorp
Classification: Uncertain significance. Last evaluated: 2024-12-02. Review status: criteria provided, single submitter. Criteria: Invitae Variant Classification Sherloc (09022015). Collection method: clinical testing. Allele origin: germline.
Comment: This sequence change replaces tyrosine, which is neutral and polar, with histidine, which is basic and polar, at codon 235 of the NBAS protein (p.Tyr235His). This variant is present in population databases (rs751927472, gnomAD 0.006%). This variant has not been reported in the literature in individuals affected with NBAS-related conditions. ClinVar contains an entry for this variant (Variation ID: 1965779). Invitae Evidence Modeling of protein sequence and biophysical properties (such as structural, functional, and spatial information, amino acid conservation, physicochemical variation, residue mobility, and thermodynamic stability) has been performed for this missense variant. However, the output from this modeling did not meet the statistical confidence thresholds required to predict the impact of this variant on NBAS protein function. In summary, the available evidence is currently insufficient to determine the role of this variant in disease. Therefore, it has been classified as a Variant of Uncertain Significance.